The following is an entry in ClinVar:

ClinVar aggregate classification (germline): Conflicting classifications of pathogenicity. Review status: criteria provided, conflicting classifications (1 of 4 stars). 3 submissions from 3 submitters: Uncertain significance (1); Likely benign (2). Last evaluated 2025-09-08.

Conditions:
KMT2D-related disorder. Also called: KMT2D-Related Disorders.
Kabuki syndrome. Also called: NIIKAWA-KUROKI SYNDROME; Kabuki make-up syndrome. Identifiers: Orphanet 2322, MedGen C0796004, MONDO:0016512.

Allele frequency attached by ClinVar (database versions not stated): ExAC 0.00002; gnomAD exomes 0.00002; TOPMed 0.00002; gnomAD 0.00003; ESP Exome Variant Server 0.00008.

Submissions (3):

PreventionGenetics, part of Exact Sciences
Classification: Likely benign for KMT2D-related condition. Last evaluated: 2025-09-08. Review status: criteria provided, single submitter. Criteria: ACMG Guidelines, 2015. Collection method: clinical testing. Allele origin: germline.
Comment: This variant is classified as likely benign based on ACMG/AMP sequence variant interpretation guidelines (Richards et al. 2015 PMID: 25741868, with internal and published modifications).

Labcorp Genetics (formerly Invitae), Labcorp
Classification: Likely benign for Kabuki syndrome. Last evaluated: 2023-11-28. Review status: criteria provided, single submitter. Criteria: Invitae Variant Classification Sherloc (09022015). Collection method: clinical testing. Allele origin: germline.

GeneDx
Classification: Uncertain significance. Last evaluated: 2021-06-28. Review status: criteria provided, single submitter. Criteria: GeneDx Variant Classification Process June 2021. Collection method: clinical testing. Allele origin: germline. Affected: yes.
Comment: Has not been previously published as pathogenic or benign to our knowledge; In silico analysis supports that this missense variant has a deleterious effect on protein structure/function; This variant is associated with the following publications: (PMID: 27535533)

NM_003482.4(KMT2D):c.15908G>A (p.Arg5303His)

Gene: KMT2D (lysine methyltransferase 2D; minus strand). Cytogenetic location: 12q13.12.
Variant type: single nucleotide variant.
Coding change: c.15908G>A on transcript NM_003482.4 (MANE Select); coding-DNA position 15908, G replaced by A.
Protein change: p.Arg5303His; replaces arginine 5303 with histidine.
Molecular consequence: missense variant.
Genome position (GRCh38, 1-based): chr12:49,024,823, C>T on the plus strand (G>A on the coding strand, the complement: KMT2D is on the minus strand). VCF-style: chr12-49024823-C-T. GRCh37 (hg19) VCF-style: chr12-49418606-C-T.
Other names: short protein forms R5303H.
Identifiers: ClinVar variation 1331267 (VCV001331267.8), dbSNP rs369156879, ClinGen allele CA6545472.